The following is an entry in ClinVar:

NC_000005.9:g.(?_61602300)_(61681396_?)dup

Gene: KIF2A (kinesin family member 2A; plus strand). Cytogenetic location: 5q12.1.
Variant type: Duplication.
Identifiers: ClinVar variation 1410131 (VCV001410131.4).

ClinVar aggregate classification (germline): Uncertain significance (1 of 4 stars; one submission).

Submission:

Labcorp Genetics (formerly Invitae), Labcorp
Classification: Uncertain significance. Last evaluated: 2022-10-17. Review status: criteria provided, single submitter. Criteria: Invitae Variant Classification Sherloc (09022015). Collection method: clinical testing. Allele origin: germline.
Comment: A copy number gain of the genomic region encompassing the full coding sequence of the KIF2A gene has been identified. The boundaries of this event are unknown as they extend beyond the assayed region for this gene and therefore may encompass additional genes. As the precise location of this event is unknown, it may be in tandem or it may be located elsewhere in the genome. This variant has not been reported in the literature in individuals affected with KIF2A-related conditions. In summary, the available evidence is currently insufficient to determine the role of this variant in disease. Therefore, it has been classified as a Variant of Uncertain Significance.